The following is an entry in ClinVar:

ClinVar aggregate classification (germline): Uncertain significance (1 of 4 stars; one submission).

Submission:

Labcorp Genetics (formerly Invitae), Labcorp
Classification: Uncertain significance. Last evaluated: 2022-07-13. Review status: criteria provided, single submitter. Criteria: Invitae Variant Classification Sherloc (09022015). Collection method: clinical testing. Allele origin: germline.
Comment: In summary, the available evidence is currently insufficient to determine the role of this variant in disease. Therefore, it has been classified as a Variant of Uncertain Significance. Algorithms developed to predict the effect of missense changes on protein structure and function (SIFT, PolyPhen-2, Align-GVGD) all suggest that this variant is likely to be disruptive. This variant has not been reported in the literature in individuals affected with LYN-related conditions. This variant is not present in population databases (gnomAD no frequency). This sequence change replaces aspartic acid, which is acidic and polar, with glycine, which is neutral and non-polar, at codon 133 of the LYN protein (p.Asp133Gly).

NM_002350.4(LYN):c.398A>G (p.Asp133Gly)

Gene: LYN (LYN proto-oncogene, Src family tyrosine kinase; plus strand). Cytogenetic location: 8q12.1.
Variant type: single nucleotide variant.
Coding change: c.398A>G on transcript NM_002350.4 (MANE Select); coding-DNA position 398, A replaced by G.
Protein change: p.Asp133Gly; replaces aspartic acid 133 with glycine.
Molecular consequence: missense variant.
Genome position (GRCh38, 1-based): chr8:55,950,695, A>G. VCF-style: chr8-55950695-A-G. GRCh37 (hg19) VCF-style: chr8-56863254-A-G.
Other names: c.335A>G, p.Asp112Gly (NM_001111097.3); short protein forms D112G, D133G.
Identifiers: ClinVar variation 2016815 (VCV002016815.4), dbSNP rs2487513412, ClinGen allele CA371280344.
Genomic context (GRCh38, chr8:55,950,695, plus strand): 5'-TTGCCGTGGAACATAATATGCAGGAAATGTTGAAATGTCTTCACAGGTGGTTTTTCAAGG[A>G]TATAACCAGGAAGGACGCAGAAAGGCAGCTTTTGGCACCAGGAAATAGCGCTGGAGCTTT-3'
Protein context (NP_002341.1, residues 123-143): TLETEEWFFK[Asp133Gly]ITRKDAERQL